The following is an entry in ClinVar:

NM_004525.3(LRP2):c.13313G>T (p.Gly4438Val)

Gene: LRP2 (LDL receptor related protein 2; minus strand). Cytogenetic location: 2q31.1.
Variant type: single nucleotide variant.
Coding change: c.13313G>T on transcript NM_004525.3 (MANE Select); coding-DNA position 13313, G replaced by T.
Protein change: p.Gly4438Val; replaces glycine 4438 with valine.
Molecular consequence: missense variant.
Genome position (GRCh38, 1-based): chr2:169,139,326, C>A on the plus strand (G>T on the coding strand, the complement: LRP2 is on the minus strand). VCF-style: chr2-169139326-C-A. GRCh37 (hg19) VCF-style: chr2-169995836-C-A.
Other names: short protein forms G4438V.
Identifiers: ClinVar variation 863155 (VCV000863155.7), dbSNP rs1685635361, ClinGen allele CA349155747.
Genomic context (GRCh38, chr2:169,139,326, plus strand): 5'-AGAGCAGGCAAAAGGGAGCCGGTCCTTCTATAGTGGAAGAATCCTGCAATTGCCAGAGCT[C>A]CAATTACGACGATCAAGAGGATTGTCAACAGCACAGCTACTGCGGCTATAGAAGAAGATA-3'
Protein context (NP_004516.2, residues 4428-4448): LLTILLIVVI[Gly4438Val]ALAIAGFFHY

ClinVar aggregate classification (germline): Uncertain significance (1 of 4 stars; one submission).

Allele frequency attached by ClinVar (database versions not stated): TOPMed below 0.00001.
gnomAD v4.1: 1 of 1,614,132 alleles (0.000062%); highest among the groups gnomAD compares: Non-Finnish European, 0.000085%; no homozygotes.

Submission:

Labcorp Genetics (formerly Invitae), Labcorp
Classification: Uncertain significance. Last evaluated: 2021-08-30. Review status: criteria provided, single submitter. Criteria: Invitae Variant Classification Sherloc (09022015). Collection method: clinical testing. Allele origin: germline.
Comment: This sequence change replaces glycine with valine at codon 4438 of the LRP2 protein (p.Gly4438Val). The glycine residue is highly conserved and there is a moderate physicochemical difference between glycine and valine. This variant is not present in population databases (ExAC no frequency). This variant has not been reported in the literature in individuals affected with LRP2-related conditions. Algorithms developed to predict the effect of missense changes on protein structure and function output the following: SIFT: "Tolerated"; PolyPhen-2: "Benign"; Align-GVGD: "Class C0". The valine amino acid residue is found in multiple mammalian species, which suggests that this missense change does not adversely affect protein function. In summary, the available evidence is currently insufficient to determine the role of this variant in disease. Therefore, it has been classified as a Variant of Uncertain Significance.